The following is an entry in ClinVar:

NM_000059.4(BRCA2):c.4375A>C (p.Asn1459His)

Gene: BRCA2 (BRCA2 DNA repair associated; plus strand). Cytogenetic location: 13q13.1.
Variant type: single nucleotide variant.
Coding change: c.4375A>C on transcript NM_000059.4 (MANE Select); coding-DNA position 4375, A replaced by C.
Protein change: p.Asn1459His; replaces asparagine 1459 with histidine.
Molecular consequence: missense variant. On other transcripts: non-coding transcript variant (1), intron variant (2).
Genome position (GRCh38, 1-based): chr13:32,338,730, A>C. VCF-style: chr13-32338730-A-C. GRCh37 (hg19) VCF-style: chr13-32912867-A-C.
Other names: c.4375A>C, p.Asn1459His (NM_001406719.1, NM_001406720.1, NM_001432077.1); c.1909+5343A>C (NM_001406721.1); c.425-5828A>C (NM_001406722.1); short protein forms N1459H.
Identifiers: ClinVar variation 3572355 (VCV003572355.4).

ClinVar aggregate classification (germline): Uncertain significance. Review status: criteria provided, multiple submitters, no conflicts (2 of 4 stars). 2 submissions from 2 submitters: Uncertain significance (2). Last evaluated 2025-09-17.

Conditions:
Hereditary breast ovarian cancer syndrome. Also called: Hereditary breast and ovarian cancer syndrome; Breast and ovarian cancer; Hereditary breast and ovarian cancer; Hereditary breast and/or ovarian cancer syndrome; Hereditary breast and ovarian cancer syndrome (HBOC); BRCA1- and BRCA2-Associated Hereditary Breast and Ovarian Cancer. Identifiers: Orphanet 145, MedGen C0677776, MeSH D061325, MONDO:0003582. Disease mechanism: loss of function.

gnomAD v4.1: 1 of 1,600,046 alleles (0.000062%); highest among the groups gnomAD compares: South Asian, 0.0011%; no homozygotes.

Submissions (2):

Quest Diagnostics Nichols Institute San Juan Capistrano
Classification: Uncertain significance. Last evaluated: 2025-09-17. Review status: criteria provided, single submitter. Criteria: Quest Diagnostics criteria. Collection method: clinical testing. Allele origin: unknown.
Comment: The BRCA2 c.4375A>C (p.Asn1459His) variant has not been reported in individuals with BRCA2-related conditions in the published literature. This variant has not been reported in large, multi-ethnic general populations (Genome Aggregation Database). Analysis of this variant using bioinformatics tools for the prediction of the effect of amino acid changes on protein structure and function yielded conflicting predictions that this variant is benign or damaging. Based on the available information, we are unable to determine the clinical significance of this variant.

Labcorp Genetics (formerly Invitae), Labcorp
Classification: Uncertain significance for Hereditary breast ovarian cancer syndrome. Last evaluated: 2024-04-24. Review status: criteria provided, single submitter. Criteria: Invitae Variant Classification Sherloc (09022015). Collection method: clinical testing. Allele origin: germline.
Comment: This sequence change replaces asparagine, which is neutral and polar, with histidine, which is basic and polar, at codon 1459 of the BRCA2 protein (p.Asn1459His). This variant is not present in population databases (gnomAD no frequency). This variant has not been reported in the literature in individuals affected with BRCA2-related conditions. Advanced modeling of protein sequence and biophysical properties (such as structural, functional, and spatial information, amino acid conservation, physicochemical variation, residue mobility, and thermodynamic stability) performed at Invitae indicates that this missense variant is not expected to disrupt BRCA2 protein function with a negative predictive value of 95%. In summary, the available evidence is currently insufficient to determine the role of this variant in disease. Therefore, it has been classified as a Variant of Uncertain Significance.